The following is an entry in ClinVar:

NM_032242.4(PLXNA1):c.2988C>T (p.Val996=)

Genes: PLXNA1 (plexin A1; plus strand), LOC129937476 (ATAC-STARR-seq lymphoblastoid active region 20450; plus strand). Cytogenetic location: 3q21.3.
Variant type: single nucleotide variant.
Coding change: c.2988C>T on transcript NM_032242.4 (MANE Select); coding-DNA position 2988, C replaced by T.
Protein change: p.Val996=; no amino-acid change (valine 996 retained).
Molecular consequence: synonymous variant.
Genome position (GRCh38, 1-based): chr3:127,015,294, C>T. VCF-style: chr3-127015294-C-T. GRCh37 (hg19) VCF-style: chr3-126734137-C-T.
Identifiers: ClinVar variation 3057431 (VCV003057431.2), dbSNP rs777274566, ClinGen allele CA2593838.

ClinVar aggregate classification (germline): Likely benign (0 of 4 stars; one submission).

Conditions:
PLXNA1-related disorder. Also called: PLXNA1-related condition.

Allele frequency attached by ClinVar (database versions not stated): gnomAD 0.00001; gnomAD exomes 0.00001; ExAC 0.00002.
gnomAD v4.1: 9 of 1,600,246 alleles (0.00056%); highest among the groups gnomAD compares: East Asian, 0.0045%; no homozygotes.

Submission:

PreventionGenetics, part of Exact Sciences
Classification: Likely benign for PLXNA1-related condition. Last evaluated: 2022-09-28. Review status: no assertion criteria provided. Collection method: clinical testing. Allele origin: germline.
Comment: This variant is classified as likely benign based on ACMG/AMP sequence variant interpretation guidelines (Richards et al. 2015 PMID: 25741868, with internal and published modifications).